The following is an entry in ClinVar:

ClinVar aggregate classification (germline): Uncertain significance (1 of 4 stars; one submission).

Conditions:
Inborn genetic diseases. Identifiers: MedGen C0950123, MeSH D030342.

Allele frequency attached by ClinVar (database versions not stated): gnomAD exomes below 0.00001; TOPMed below 0.00001; ExAC 0.00001.
gnomAD v4.1: 6 of 1,611,898 alleles (0.00037%); highest among the groups gnomAD compares: South Asian, 0.0066%; no homozygotes.

Submission:

Ambry Genetics
Classification: Uncertain significance for Inborn genetic diseases. Last evaluated: 2023-03-03. Review status: criteria provided, single submitter. Criteria: Ambry Variant Classification Scheme 2023. Collection method: clinical testing. Allele origin: germline.
Comment: The p.D332G variant (also known as c.995A>G), located in coding exon 9 of the MDH2 gene, results from an A to G substitution at nucleotide position 995. The aspartic acid at codon 332 is replaced by glycine, an amino acid with similar properties. This amino acid position is conserved. In addition, the in silico prediction for this alteration is inconclusive. Since supporting evidence is limited at this time, the clinical significance of this alteration remains unclear.

NM_005918.4(MDH2):c.995A>G (p.Asp332Gly)

Gene: MDH2 (malate dehydrogenase 2; plus strand). Cytogenetic location: 7q11.23.
Variant type: single nucleotide variant.
Coding change: c.995A>G on transcript NM_005918.4 (MANE Select); coding-DNA position 995, A replaced by G.
Protein change: p.Asp332Gly; replaces aspartic acid 332 with glycine.
Molecular consequence: missense variant.
Genome position (GRCh38, 1-based): chr7:76,066,388, A>G. VCF-style: chr7-76066388-A-G. GRCh37 (hg19) VCF-style: chr7-75695706-A-G.
Other names: c.869A>G, p.Asp290Gly (NM_001282403.2); c.674A>G, p.Asp225Gly (NM_001282404.2); short protein forms D332G, D225G, D290G.
Identifiers: ClinVar variation 2468608 (VCV002468608.2), dbSNP rs782507188, ClinGen allele CA4305788.